The following is an entry in ClinVar:

NM_001048174.2(MUTYH):c.7A>G (p.Lys3Glu)

Gene: MUTYH (mutY DNA glycosylase; minus strand). Cytogenetic location: 1p34.1.
Variant type: single nucleotide variant.
Coding change: c.7A>G on transcript NM_001048174.2 (MANE Select); coding-DNA position 7, A replaced by G.
Protein change: p.Lys3Glu; replaces lysine 3 with glutamic acid.
Molecular consequence: missense variant. On other transcripts: 5 prime UTR variant (4), non-coding transcript variant (2).
Genome position (GRCh38, 1-based): chr1:45,334,499, T>C on the plus strand (A>G on the coding strand, the complement: MUTYH is on the minus strand). VCF-style: chr1-45334499-T-C. GRCh37 (hg19) VCF-style: chr1-45800171-T-C.
Other names: c.7A>G, p.Lys3Glu (NM_001407078.1, NM_001407079.1, NM_001407080.1 and 15 more transcripts); c.-201A>G (NM_001407082.1, NM_001350651.2); c.25A>G, p.Lys9Glu (NM_001407087.1); c.49A>G, p.Lys17Glu (NM_001128425.2, NM_001293190.2, NM_001407069.1 and 2 more transcripts); c.-206A>G (NM_001293192.2, NM_001293196.2, NM_001407091.1); c.-265A>G (NM_001350650.2); c.-150A>G (NM_001407075.1); short protein forms K17E, K3E, K9E.
Identifiers: ClinVar variation 1744658 (VCV001744658.4), dbSNP rs2524366542, ClinGen allele CA340137285.

ClinVar aggregate classification (germline): Conflicting classifications of pathogenicity. Review status: criteria provided, conflicting classifications (1 of 4 stars). 2 submissions from 2 submitters: Uncertain significance (1); Likely benign (1). Last evaluated 2025-12-20.

Conditions:
Hereditary cancer-predisposing syndrome. Also called: Hereditary Cancer Syndrome; Hereditary neoplastic syndrome; Neoplastic Syndromes, Hereditary; Tumor predisposition. Identifiers: Orphanet 140162, MedGen C0027672, MeSH D009386, MONDO:0015356.
Familial adenomatous polyposis 2. Also called: MUTYH-associated polyposis; MUTYH-related attenuated familial adenomatous polyposis; FAP type 2; Adenomas, multiple colorectal; MYH-associated polyposis; MUTYH Polyposis. Identifiers: Orphanet 220460, Orphanet 247798, MedGen C3272841, MONDO:0012041, OMIM 608456.

Submissions (2):

Labcorp Genetics (formerly Invitae), Labcorp
Classification: Uncertain significance for Familial adenomatous polyposis 2. Last evaluated: 2025-12-20. Review status: criteria provided, single submitter. Criteria: Invitae Variant Classification Sherloc (09022015). Collection method: clinical testing. Allele origin: germline.
Comment: This sequence change replaces lysine, which is basic and polar, with glutamic acid, which is acidic and polar, at codon 17 of the MUTYH protein (p.Lys17Glu). This variant is not present in population databases (gnomAD no frequency). This variant has not been reported in the literature in individuals affected with MUTYH-related conditions. ClinVar contains an entry for this variant (Variation ID: 1744658). An algorithm developed to predict the effect of missense changes on protein structure and function (PolyPhen-2) suggests that this variant is likely to be disruptive. In summary, the available evidence is currently insufficient to determine the role of this variant in disease. Therefore, it has been classified as a Variant of Uncertain Significance.

Ambry Genetics
Classification: Likely benign for Hereditary cancer-predisposing syndrome. Last evaluated: 2025-09-15. Review status: criteria provided, single submitter. Criteria: Ambry Variant Classification Scheme 2023. Collection method: clinical testing. Allele origin: germline.

Literature cited by the submitters: PubMed 40738107 (cited by Ambry Genetics).